The following is an entry in ClinVar:

NM_020693.4(DSCAML1):c.-98C>T

Gene: DSCAML1 (DS cell adhesion molecule like 1; minus strand). Cytogenetic location: 11q23.3.
Variant type: single nucleotide variant.
Coding change: c.-98C>T on transcript NM_020693.4 (MANE Select); 98 bases upstream of the start codon, C replaced by T.
Molecular consequence: 5 prime UTR variant. On other transcripts: intron variant (1).
Genome position (GRCh38, 1-based): chr11:117,797,177, G>A on the plus strand (C>T on the coding strand, the complement: DSCAML1 is on the minus strand). VCF-style: chr11-117797177-G-A. GRCh37 (hg19) VCF-style: chr11-117667892-G-A.
Other names: c.-98C>T (NM_001367904.1); c.-362-16367C>T (NM_001367905.1).
Identifiers: ClinVar variation 2875610 (VCV002875610.3), dbSNP rs780939747, ClinGen allele CA6297709.

ClinVar aggregate classification (germline): Uncertain significance (1 of 4 stars; one submission).

gnomAD v4.1: 4 of 1,573,430 alleles (0.00025%); highest among the groups gnomAD compares: Non-Finnish European, 0.00034%; no homozygotes.

Submission:

Labcorp Genetics (formerly Invitae), Labcorp
Classification: Uncertain significance. Last evaluated: 2023-08-23. Review status: criteria provided, single submitter. Criteria: Invitae Variant Classification Sherloc (09022015). Collection method: clinical testing. Allele origin: germline.
Comment: This sequence change replaces proline, which is neutral and non-polar, with leucine, which is neutral and non-polar, at codon 28 of the DSCAML1 protein (p.Pro28Leu). The frequency data for this variant in the population databases is considered unreliable, as metrics indicate poor data quality at this position in the gnomAD database. In summary, the available evidence is currently insufficient to determine the role of this variant in disease. Therefore, it has been classified as a Variant of Uncertain Significance. Experimental studies and prediction algorithms are not available or were not evaluated, and the functional significance of this variant is currently unknown. This missense change has been observed in individual(s) with autism spectrum disorder (PMID: 33501714).

Literature cited by the submitters: PubMed 33501714.